The following is an entry in ClinVar:

ClinVar aggregate classification (germline): Uncertain significance (1 of 4 stars; one submission).

Conditions:
Koolen-de Vries syndrome (KDVS). Identifiers: Orphanet 96169, MedGen C1864871, MONDO:0012496, OMIM 610443.

Submission:

Institute of Immunology and Genetics Kaiserslautern
Classification: Uncertain significance for Koolen-de Vries syndrome. Last evaluated: 2026-03-16. Review status: criteria provided, single submitter. Criteria: ACMG Guidelines, 2015. Collection method: clinical testing. Allele origin: germline. Affected: yes.
Comment: ACMG Criteria: PM2_P; Variant was found in heterozygous state.

NM_015443.4(KANSL1):c.1219T>C (p.Ser407Pro)

Gene: KANSL1 (KAT8 regulatory NSL complex subunit 1). Cytogenetic location: 17q21.31.
Variant type: single nucleotide variant.
Coding change: c.1219T>C on transcript NM_015443.4 (MANE Select); coding-DNA position 1219, T replaced by C.
Protein change: p.Ser407Pro; replaces serine 407 with proline.
Molecular consequence: missense variant. On other transcripts: intron variant (4).
Genome position (GRCh38, 1-based): chr17:46,170,925, A>G on the plus strand (T>C on the coding strand, the complement: KANSL1 is on the minus strand). VCF-style: chr17-46170925-A-G. GRCh37 (hg19) VCF-style: chr17-44248291-A-G.
Other names: c.1219T>C, p.Ser407Pro (NM_001379198.1, NM_001405854.1, NM_001405855.1 and 18 more transcripts); c.23+52746T>C (NM_001405885.1, NM_001405884.1, NM_001405883.1 and 1 more transcripts); short protein forms S407P.
Identifiers: ClinVar variation 4851426 (VCV004851426.1).